The following is an entry in ClinVar:

ClinVar aggregate classification (germline): Uncertain significance (1 of 4 stars; one submission).

Submission:

Ambry Genetics
Classification: Uncertain significance. Last evaluated: 2025-02-26. Review status: criteria provided, single submitter. Criteria: Ambry Variant Classification Scheme 2023. Collection method: clinical testing. Allele origin: germline.
Comment: The p.S1124P variant (also known as c.3370T>C), located in coding exon 13 of the WNK2 gene, results from a T to C substitution at nucleotide position 3370. The serine at codon 1124 is replaced by proline, an amino acid with similar properties. This amino acid position is conserved. In addition, this alteration is predicted to be tolerated by in silico analysis. Based on the available evidence, the clinical significance of this variant remains unclear.

NM_006648.4(WNK2):c.3370T>C (p.Ser1124Pro)

Gene: WNK2 (WNK lysine deficient protein kinase 2; plus strand). Cytogenetic location: 9q22.31.
Variant type: single nucleotide variant.
Coding change: c.3370T>C on transcript NM_006648.4 (MANE Select); coding-DNA position 3370, T replaced by C.
Protein change: p.Ser1124Pro; replaces serine 1124 with proline.
Molecular consequence: missense variant.
Genome position (GRCh38, 1-based): chr9:93,262,679, T>C. VCF-style: chr9-93262679-T-C. GRCh37 (hg19) VCF-style: chr9-96024961-T-C.
Other names: c.3370T>C, p.Ser1124Pro (NM_001282394.3); short protein forms S1124P.
Identifiers: ClinVar variation 3817164 (VCV003817164.1).
Genomic context (GRCh38, chr9:93,262,679, plus strand): 5'-GAGGCGGGAGTCCGCATGACCTGTTCTCTTTTCTCCGGGTGTTTATTTCAGGAGCAGGCC[T>C]CACAGGACAAGCCGCCCGGCCTCCCGCAGAGCTGTGAGAGGTAGTGTGGCCCAGCCTCGA-3'
Protein context (NP_006639.3, residues 1114-1134): TVEPVQEEQA[Ser1124Pro]QDKPPGLPQS